The following is an entry in ClinVar:

NM_021120.4(DLG3):c.839C>G (p.Ala280Gly)

Gene: DLG3 (discs large MAGUK scaffold protein 3; plus strand). Cytogenetic location: Xq13.1.
Variant type: single nucleotide variant.
Coding change: c.839C>G on transcript NM_021120.4 (MANE Select); coding-DNA position 839, C replaced by G.
Protein change: p.Ala280Gly; replaces alanine 280 with glycine.
Molecular consequence: missense variant.
Genome position (GRCh38, 1-based): chrX:70,450,304, C>G. VCF-style: chrX-70450304-C-G. GRCh37 (hg19) VCF-style: chrX-69670154-C-G.
Other names: short protein forms A280G.
Identifiers: ClinVar variation 4075683 (VCV004075683.1).

ClinVar aggregate classification (germline): Uncertain significance (1 of 4 stars; one submission).

Submission:

GeneDx
Classification: Uncertain significance. Last evaluated: 2025-02-18. Review status: criteria provided, single submitter. Criteria: GeneDx Variant Classification Process June 2021. Collection method: clinical testing. Allele origin: germline. Affected: yes.
Comment: Not observed at significant frequency in large population cohorts (gnomAD); In silico analysis supports that this missense variant has a deleterious effect on protein structure/function; Has not been previously published as pathogenic or benign to our knowledge